The following is an entry in ClinVar:

ClinVar aggregate classification (germline): Benign/Likely benign. Review status: criteria provided, multiple submitters, no conflicts (2 of 4 stars). 9 submissions from 9 submitters: Benign (5); Likely benign (4). Last evaluated 2026-07-01.

Conditions:
Hermansky-Pudlak syndrome 6 (HPS6). Identifiers: Orphanet 231512, Orphanet 79430, MedGen C3888007, MONDO:0013558, OMIM 614075.

Allele frequency attached by ClinVar (database versions not stated): 1000 Genomes Project 0.00359; 1000 Genomes Project 30x 0.00375; gnomAD 0.00592 and 0.00617; TOPMed 0.00671; ESP Exome Variant Server 0.00684; ExAC 0.00748; gnomAD exomes 0.00748 and 0.00827.

Submissions (9):

CeGaT Center for Human Genetics Tuebingen
Classification: Benign. Last evaluated: 2026-07-01. Review status: criteria provided, single submitter. Criteria: CeGaT Center For Human Genetics Tuebingen Variant Classification Criteria Version 2. Collection method: clinical testing. Allele origin: germline. Affected: yes. Observed: 4 variant alleles.
Comment: HPS6: BP4, BS1, BS2

Labcorp Genetics (formerly Invitae), Labcorp
Classification: Benign. Last evaluated: 2026-02-04. Review status: criteria provided, single submitter. Criteria: Invitae Variant Classification Sherloc (09022015). Collection method: clinical testing. Allele origin: germline.

Blueprint Genetics
Classification: Likely benign. Last evaluated: 2024-11-27. Review status: criteria provided, single submitter. Criteria: ACMG Guidelines, 2015. Collection method: clinical testing. Allele origin: germline.

Mayo Clinic Laboratories, Mayo Clinic
Classification: Benign. Last evaluated: 2023-12-29. Review status: criteria provided, single submitter. Criteria: ACMG Guidelines, 2015. Collection method: clinical testing. Allele origin: germline. Observed: 8 variant alleles.
Comment: BS1, BS2, BP4

Illumina Laboratory Services, Illumina
Classification: Benign for Hermansky-Pudlak syndrome 6. Last evaluated: 2017-04-27. Review status: criteria provided, single submitter. Criteria: ICSL Variant Classification Criteria 13 December 2019. Collection method: clinical testing. Allele origin: germline.
Comment: This variant was observed as part of a predisposition screen in an ostensibly healthy population. A literature search was performed for the gene, cDNA change, and amino acid change (where applicable). No publications were found based on this search. Allele frequency data from public databases was too high to be consistent with this variant causing disease. Therefore, this variant is classified as benign.

Eurofins Ntd Llc (ga)
Classification: Benign. Last evaluated: 2016-02-03. Review status: criteria provided, single submitter. Criteria: EGL Classification Definitions 2015. Collection method: clinical testing. Allele origin: germline. Observed: 1 variant allele, 1 heterozygote.

Genetic Services Laboratory, University of Chicago
Classification: Likely benign. Last evaluated: 2015-02-26. Review status: criteria provided, single submitter. Criteria: ACMG Guidelines, 2015. Collection method: clinical testing. Allele origin: germline.

Breakthrough Genomics
Classification: Likely benign. Review status: criteria provided, single submitter. Criteria: ACMG Guidelines, 2015. Collection method: not provided. Allele origin: germline. Inheritance: Autosomal recessive inheritance. Affected: yes.

PreventionGenetics, part of Exact Sciences
Classification: Likely benign. Review status: criteria provided, single submitter. Criteria: ACMG Guidelines, 2015. Collection method: clinical testing. Allele origin: germline.

NM_024747.6(HPS6):c.698T>G (p.Leu233Arg)

Gene: HPS6 (HPS6 biogenesis of lysosomal organelles complex 2 subunit 3; plus strand). Cytogenetic location: 10q24.32.
Variant type: single nucleotide variant.
Coding change: c.698T>G on transcript NM_024747.6 (MANE Select); coding-DNA position 698, T replaced by G.
Protein change: p.Leu233Arg; replaces leucine 233 with arginine.
Molecular consequence: missense variant.
Genome position (GRCh38, 1-based): chr10:102,066,172, T>G. VCF-style: chr10-102066172-T-G. GRCh37 (hg19) VCF-style: chr10-103825929-T-G.
Other names: p.Leu233Arg; short protein forms L233R.
Identifiers: ClinVar variation 211155 (VCV000211155.47), dbSNP rs36078476, ClinGen allele CA205164.